The following is an entry in ClinVar:

ClinVar aggregate classification (germline): Likely benign (1 of 4 stars; one submission).

Conditions:
DNAJB2-related disorder. Also called: DNAJB2-related condition.

Submission:

PreventionGenetics, part of Exact Sciences
Classification: Likely benign for DNAJB2-related condition. Last evaluated: 2026-08-10. Review status: criteria provided, single submitter. Criteria: ACMG Guidelines, 2015. Collection method: clinical testing. Allele origin: germline.
Comment: This variant is classified as likely benign based on ACMG/AMP sequence variant interpretation guidelines (Richards et al. 2015 PMID: 25741868, with internal and published modifications).

NM_006736.6(DNAJB2):c.*1020C>T

Gene: DNAJB2 (DnaJ heat shock protein family (Hsp40) member B2; plus strand). Cytogenetic location: 2q35.
Variant type: single nucleotide variant.
Coding change: c.*1020C>T on transcript NM_006736.6 (MANE Select); 1020 bases downstream of the stop codon, C replaced by T.
Molecular consequence: 3 prime UTR variant.
Genome position (GRCh38, 1-based): chr2:219,286,007, C>T. VCF-style: chr2-219286007-C-T. GRCh37 (hg19) VCF-style: chr2-220150729-C-T.
Other names: c.*10C>T (NM_001039550.2).
Identifiers: ClinVar variation 4981517 (VCV004981517.1).